The following is an entry in ClinVar:

ClinVar aggregate classification (germline): Pathogenic (1 of 4 stars; one submission).

Submission:

Labcorp Genetics (formerly Invitae), Labcorp
Classification: Pathogenic. Last evaluated: 2019-09-13. Review status: criteria provided, single submitter. Criteria: Invitae Variant Classification Sherloc (09022015). Collection method: clinical testing. Allele origin: germline.
Comment: This variant is an out-of-frame deletion of the genomic region encompassing exons 15-16 of the PROM1 gene. This is expected to create a premature translational stop signal and result in an absent or disrupted protein product. This variant has not been reported in the literature in individuals with PROM1-related conditions. Loss-of-function variants in PROM1 are known to be pathogenic (PMID: 17605048, 19718270, 24154662). For these reasons, this variant has been classified as Pathogenic.

NC_000004.12:g.(?_15992248)_(15994071_?)del

Gene: PROM1 (prominin 1; minus strand). Cytogenetic location: 4p15.32.
Variant type: Deletion.
Identifiers: ClinVar variation 832556 (VCV000832556.1).